The following is an entry in ClinVar:

NC_000002.11:g.(?_48010363)_(48010642_?)dup

Genes: MSH6 (mutS homolog 6; plus strand), LOC129933707 (ATAC-STARR-seq lymphoblastoid silent region 11468; plus strand). Cytogenetic location: 2p16.3.
Variant type: Duplication.
Identifiers: ClinVar variation 584401 (VCV000584401.1).

ClinVar aggregate classification (germline): Uncertain significance (1 of 4 stars; one submission).

Conditions:
Hereditary nonpolyposis colorectal neoplasms. Identifiers: MedGen C0009405, MeSH D003123.

Submission:

Labcorp Genetics (formerly Invitae), Labcorp
Classification: Uncertain significance for Hereditary nonpolyposis colon cancer. Last evaluated: 2018-07-09. Review status: criteria provided, single submitter. Criteria: Invitae Variant Classification Sherloc (09022015). Collection method: clinical testing. Allele origin: germline.
Comment: This variant results in a copy number gain of the genomic region encompassing exon 1 of the MSH6 gene. The 5' end of this event is unknown as it extends beyond the assayed region for this gene and therefore may encompass additional genes. The 3' boundary is likely confined to intron 1 of the MSH6 gene. As the precise location of this event is unknown, it may be in tandem or it may be located elsewhere in the genome. This variant has not been reported in the literature in individuals with MSH6-related disease. In summary, the available evidence is currently insufficient to determine the role of this variant in disease. Therefore, it has been classified as a Variant of Uncertain Significance.